The following is an entry in ClinVar:

NM_024496.4(IRF2BPL):c.411del (p.Ala138fs)

Gene: IRF2BPL (interferon regulatory factor 2 binding protein like; minus strand). Cytogenetic location: 14q24.3.
Variant type: Deletion.
Coding change: c.411del on transcript NM_024496.4 (MANE Select); coding-DNA position 411, one base deleted (T; older notation c.411delT).
Protein change: p.Ala138fs; shifts the reading frame from alanine 138.
Molecular consequence: frameshift variant.
Genome position (GRCh38, 1-based): chr14:77,027,382, A deleted on the plus strand (T on the coding strand, the reverse complement: IRF2BPL is on the minus strand). VCF-style (leftmost placement, unchanged base first): chr14-77027381-CA-C. GRCh37 (hg19) VCF-style: chr14-77493724-CA-C.
Other names: short protein forms A138fs.
Identifiers: ClinVar variation 3897584 (VCV003897584.1).

ClinVar aggregate classification (germline): Pathogenic (1 of 4 stars; one submission).

Conditions:
Neurodevelopmental disorder with regression, abnormal movements, loss of speech, and seizures. Identifiers: Orphanet 597623, MedGen C4748127, MONDO:0060759, OMIM 618088.

Submission:

Genetics Laboratory, UDIAT-Centre Diagnòstic, Hospital Universitari Parc Tauli
Classification: Pathogenic for neurodevelopmental disorder with regression, abnormal movements, loss of speech, and seizures. Last evaluated: 2023-07-17. Review status: criteria provided, single submitter. Criteria: ACMG Guidelines, 2015. Collection method: clinical testing. Allele origin: unknown. Inheritance: Autosomal dominant inheritance. Affected: yes.
Comment: PVS1_very strong;PM2_supporting;PM6_moderate